The following is an entry in ClinVar:

ClinVar aggregate classification (germline): Uncertain significance (1 of 4 stars; one submission).

Conditions:
Wilms tumor 1 (WT1). Also called: Wilms tumor, somatic. Identifiers: Orphanet 654, MedGen CN033288, MONDO:0008679, OMIM 194070.

Allele frequency attached by ClinVar (database versions not stated): TOPMed 0.00001; gnomAD exomes 0.00002.
gnomAD v4.1: 16 of 1,199,807 alleles (0.0013%); highest among the groups gnomAD compares: African/African-American, 0.0017%; no homozygotes.

Submission:

Labcorp Genetics (formerly Invitae), Labcorp
Classification: Uncertain significance for Wilms tumor 1. Last evaluated: 2018-01-02. Review status: criteria provided, single submitter. Criteria: Invitae Variant Classification Sherloc (09022015). Collection method: clinical testing. Allele origin: germline.
Comment: In summary, the available evidence is currently insufficient to determine the role of this variant in disease. Therefore, it has been classified as a Variant of Uncertain Significance. Algorithms developed to predict the effect of missense changes on protein structure and function do not agree on the potential impact of this missense change (SIFT: "Tolerated"; PolyPhen-2: "Probably Damaging"; Align-GVGD: "Class C0"). This variant has not been reported in the literature in individuals with GPC3-related disease. This variant is not present in population databases (ExAC no frequency). This sequence change replaces proline with serine at codon 26 of the GPC3 protein (p.Pro26Ser). The proline residue is weakly conserved and there is a moderate physicochemical difference between proline and serine.

NM_004484.4(GPC3):c.76C>T (p.Pro26Ser)

Gene: GPC3 (glypican 3; minus strand). Cytogenetic location: Xq26.2.
Variant type: single nucleotide variant.
Coding change: c.76C>T on transcript NM_004484.4 (MANE Select); coding-DNA position 76, C replaced by T.
Protein change: p.Pro26Ser; replaces proline 26 with serine.
Molecular consequence: missense variant.
Genome position (GRCh38, 1-based): chrX:133,985,374, G>A on the plus strand (C>T on the coding strand, the complement: GPC3 is on the minus strand). VCF-style: chrX-133985374-G-A. GRCh37 (hg19) VCF-style: chrX-133119401-G-A.
Other names: c.76C>T, p.Pro26Ser (NM_001164617.2, NM_001164618.2, NM_001164619.2); short protein forms P26S.
Identifiers: ClinVar variation 581523 (VCV000581523.9), dbSNP rs1569462736, ClinGen allele CA414707088.